The following is an entry in ClinVar:

ClinVar aggregate classification (germline): Pathogenic (1 of 4 stars; one submission).

Conditions:
Cornelia de Lange syndrome 1 (CDLS1). Also called: Brachmann de Lange syndrome; TYPUS DEGENERATIVUS AMSTELODAMENSIS; NIPBL-Related Cornelia de Lange Syndrome. Identifiers: Orphanet 199, MedGen C4551851, MONDO:0007387, OMIM 122470.

Submission:

Labcorp Genetics (formerly Invitae), Labcorp
Classification: Pathogenic for Cornelia de Lange syndrome 1. Last evaluated: 2018-04-16. Review status: criteria provided, single submitter. Criteria: Invitae Variant Classification Sherloc (09022015). Collection method: clinical testing. Allele origin: germline.
Comment: This sequence change creates a premature translational stop signal (p.Glu1330*) in the NIPBL gene. It is expected to result in an absent or disrupted protein product. This variant is not present in population databases (ExAC no frequency). This variant has not been reported in the literature in individuals with NIPBL-related disease. Loss-of-function variants in NIPBL are known to be pathogenic (PMID: 24038889). For these reasons, this variant has been classified as Pathogenic.

Literature cited by the submitters: PubMed 24038889.

NM_133433.4(NIPBL):c.3988G>T (p.Glu1330Ter)

Gene: NIPBL (NIPBL cohesin loading factor; plus strand). Cytogenetic location: 5p13.2.
Variant type: single nucleotide variant.
Coding change: c.3988G>T on transcript NM_133433.4 (MANE Select); coding-DNA position 3988, G replaced by T.
Protein change: p.Glu1330Ter; replaces glutamic acid 1330 with a stop codon.
Molecular consequence: nonsense.
Genome position (GRCh38, 1-based): chr5:37,006,489, G>T. VCF-style: chr5-37006489-G-T. GRCh37 (hg19) VCF-style: chr5-37006591-G-T.
Other names: c.3988G>T, p.Glu1330Ter (NM_015384.5); short protein forms E1330*.
Identifiers: ClinVar variation 580541 (VCV000580541.2), dbSNP rs1561145912, ClinGen allele CA359524385.